The following is an entry in ClinVar:

ClinVar aggregate classification (germline): Conflicting classifications of pathogenicity. Review status: criteria provided, conflicting classifications (1 of 4 stars). 3 submissions from 3 submitters: Likely pathogenic (1); Uncertain significance (2). Last evaluated 2024-10-02.

Conditions:
Mucopolysaccharidosis, MPS-II (MPS2). Also called: Mucopolysaccharidosis with skin involvement; Attenuated MPS (subtype; formerly known as mild MPS II); Severe MPS II; I2S deficiency; MPS 2; Hunter Syndrome. Identifiers: Orphanet 580, Orphanet 79388, MedGen C0026705, MONDO:0010674, OMIM 309900.

Allele frequency attached by ClinVar (database versions not stated): gnomAD exomes below 0.00001.
gnomAD v4.1: 2 of 1,211,633 alleles (0.00017%); highest among the groups gnomAD compares: South Asian, 0.0035%; no homozygotes.

Submissions (3):

Revvity Omics, Revvity
Classification: Uncertain significance for Mucopolysaccharidosis, MPS-II. Last evaluated: 2024-10-02. Review status: criteria provided, single submitter. Criteria: ACMG Guidelines, 2015. Collection method: clinical testing. Allele origin: germline.

Laboratory of Diagnosis and Therapy of Lysosomal Disorders, University of Padova
Classification: Likely pathogenic for Mucopolysaccharidosis, MPS-II. Last evaluated: 2024-06-07. Review status: criteria provided, single submitter. Criteria: ACMG Guidelines, 2015. Collection method: literature only. Allele origin: germline. Affected: yes. Observed: 1 variant allele.
Comment: Prevalence of the variant significantly increased in affected individuals compared with controls (PS4_Supporting), Absent from controls (or at low frequency) in gnomAD database (PM2_Moderate), Missense variant in a gene with a low rate of benign missense variation (PP2_Supporting), Multiple lines of computational evidence support a deleterious effect (PP3_Supporting), Patient’s phenotype or family history highly specific for the disease (PP4_Strong)

Classification method: ACMG Guidelines [PMID:25741868] with modifications

Women's Health and Genetics/Laboratory Corporation of America, LabCorp
Classification: Uncertain significance. Last evaluated: 2024-04-04. Review status: criteria provided, single submitter. Criteria: LabCorp Variant Classification Summary - May 2015. Collection method: clinical testing. Allele origin: germline.
Comment: Variant summary: IDS c.1493G>C (p.Arg498Thr) results in a non-conservative amino acid change in the encoded protein sequence. Five of five in-silico tools predict a damaging effect of the variant on protein function. The variant allele was found at a frequency of 4.4e-06 in 454484 control chromosomes (gnomAD v4.0). The available data on variant occurrences in the general population are insufficient to allow any conclusion about variant significance. c.1493G>C has been reported in the literature in an individual affected with Mucopolysaccharidosis Type II (Hunter Syndrome) (Iyer_2020). These data do not allow clear conclusions about variant significance. To our knowledge, no experimental evidence demonstrating an impact on protein function has been reported. The following publication have been ascertained in the context of this evaluation (PMID: 35123515). No submitters have cited clinical-significance assessments for this variant to ClinVar. Based on the evidence outlined above, the variant was classified as uncertain significance.

Literature cited by the submitters: PubMed 35123515 (cited by Laboratory of Diagnosis and Therapy of Lysosomal Disorders, University of Padova and Women's Health and Genetics/Laboratory Corporation of America, LabCorp).

NM_000202.8(IDS):c.1493G>C (p.Arg498Thr)

Gene: IDS (iduronate 2-sulfatase; minus strand). Cytogenetic location: Xq28.
Variant type: single nucleotide variant.
Coding change: c.1493G>C on transcript NM_000202.8 (MANE Select); coding-DNA position 1493, G replaced by C.
Protein change: p.Arg498Thr; replaces arginine 498 with threonine.
Molecular consequence: missense variant.
Genome position (GRCh38, 1-based): chrX:149,482,906, C>G on the plus strand (G>C on the coding strand, the complement: IDS is on the minus strand). VCF-style: chrX-149482906-C-G. GRCh37 (hg19) VCF-style: chrX-148564437-C-G.
Other names: c.1223G>C, p.Arg408Thr (NM_001166550.4); short protein forms R408T, R498T.
Identifiers: ClinVar variation 3251544 (VCV003251544.4), dbSNP rs1557337595.